The following is an entry in ClinVar:

ClinVar aggregate classification (germline): Uncertain significance. Review status: criteria provided, multiple submitters, no conflicts (2 of 4 stars). 2 submissions from 2 submitters: Uncertain significance (2). Last evaluated 2022-08-16.

Conditions:
Retinitis pigmentosa 59 (RP59). Identifiers: Orphanet 791, MedGen C3151227, MONDO:0013468, OMIM 613861.

Allele frequency attached by ClinVar (database versions not stated): gnomAD exomes below 0.00001; TOPMed below 0.00001; ExAC 0.00001; gnomAD 0.00001; ESP Exome Variant Server 0.00008.
gnomAD v4.1: 1 of 1,614,080 alleles (0.000062%); highest among the groups gnomAD compares: African/African-American, 0.0013%; no homozygotes.

Submissions (2):

Labcorp Genetics (formerly Invitae), Labcorp
Classification: Uncertain significance for Retinitis pigmentosa 59. Last evaluated: 2022-08-16. Review status: criteria provided, single submitter. Criteria: Invitae Variant Classification Sherloc (09022015). Collection method: clinical testing. Allele origin: germline.
Comment: Algorithms developed to predict the effect of missense changes on protein structure and function (SIFT, PolyPhen-2, Align-GVGD) all suggest that this variant is likely to be disruptive. ClinVar contains an entry for this variant (Variation ID: 1375273). This variant has not been reported in the literature in individuals affected with DHDDS-related conditions. This variant is present in population databases (rs372352032, gnomAD 0.007%). This sequence change replaces leucine, which is neutral and non-polar, with valine, which is neutral and non-polar, at codon 231 of the DHDDS protein (p.Leu231Val). In summary, the available evidence is currently insufficient to determine the role of this variant in disease. Therefore, it has been classified as a Variant of Uncertain Significance.

Blueprint Genetics
Classification: Uncertain significance. Last evaluated: 2021-11-22. Review status: criteria provided, single submitter. Criteria: ACMG Guidelines, 2015. Collection method: clinical testing. Allele origin: germline.

NM_205861.3(DHDDS):c.691C>G (p.Leu231Val)

Gene: DHDDS (dehydrodolichyl diphosphate synthase subunit; plus strand). Cytogenetic location: 1p36.11.
Variant type: single nucleotide variant.
Coding change: c.691C>G on transcript NM_205861.3 (MANE Select); coding-DNA position 691, C replaced by G.
Protein change: p.Leu231Val; replaces leucine 231 with valine.
Molecular consequence: missense variant.
Genome position (GRCh38, 1-based): chr1:26,460,070, C>G. VCF-style: chr1-26460070-C-G. GRCh37 (hg19) VCF-style: chr1-26786561-C-G.
Other names: c.589C>G, p.Leu197Val (NM_001243564.2); c.574C>G, p.Leu192Val (NM_001243565.2); c.412C>G, p.Leu138Val (NM_001319959.2); c.691C>G, p.Leu231Val (NM_024887.4); short protein forms L231V, L138V, L192V, L197V.
Identifiers: ClinVar variation 1375273 (VCV001375273.7), dbSNP rs372352032, ClinGen allele CA705434.